The following is an entry in ClinVar:

NM_001379500.1(COL18A1):c.107-12249G>A

Gene: COL18A1 (collagen type XVIII alpha 1 chain; plus strand). Cytogenetic location: 21q22.3.
Variant type: single nucleotide variant.
Coding change: c.107-12249G>A on transcript NM_001379500.1 (MANE Select); 12249 bases into the intron before coding-DNA position 107, G replaced by A.
Molecular consequence: intron variant. On other transcripts: missense variant (2).
Genome position (GRCh38, 1-based): chr21:45,455,993, G>A. VCF-style: chr21-45455993-G-A. GRCh37 (hg19) VCF-style: chr21-46875907-G-A.
Other names: c.463G>A, p.Ala155Thr (NM_030582.4, NM_130444.3); short protein forms A155T.
Identifiers: ClinVar variation 1430168 (VCV001430168.5), dbSNP rs773715846, ClinGen allele CA10065483.

ClinVar aggregate classification (germline): Uncertain significance (1 of 4 stars; one submission).

Allele frequency attached by ClinVar (database versions not stated): ExAC 0.00001; gnomAD 0.00001; gnomAD exomes 0.00001; 1000 Genomes Project 30x 0.00031.
gnomAD v4.1: 22 of 1,612,886 alleles (0.0014%); highest among the groups gnomAD compares: East Asian, 0.0045%; no homozygotes.

Submission:

Labcorp Genetics (formerly Invitae), Labcorp
Classification: Uncertain significance. Last evaluated: 2022-02-05. Review status: criteria provided, single submitter. Criteria: Invitae Variant Classification Sherloc (09022015). Collection method: clinical testing. Allele origin: germline.
Comment: The COL18A1 gene has multiple clinically relevant transcripts. This variant occurs in alternate transcript NM_030582.3, and corresponds to NM_130445.3:c.107-12249G>A in the primary transcript. This sequence change replaces alanine, which is neutral and non-polar, with threonine, which is neutral and polar, at codon 155 of the COL18A1 protein (p.Ala155Thr). This variant is present in population databases (rs773715846, gnomAD 0.007%). This variant has not been reported in the literature in individuals affected with COL18A1-related conditions. Experimental studies and prediction algorithms are not available or were not evaluated, and the functional significance of this variant is currently unknown. In summary, the available evidence is currently insufficient to determine the role of this variant in disease. Therefore, it has been classified as a Variant of Uncertain Significance.